The following is an entry in ClinVar:

ClinVar aggregate classification (germline): Uncertain significance (1 of 4 stars; one submission).

Submission:

Labcorp Genetics (formerly Invitae), Labcorp
Classification: Uncertain significance. Last evaluated: 2022-10-26. Review status: criteria provided, single submitter. Criteria: Invitae Variant Classification Sherloc (09022015). Collection method: clinical testing. Allele origin: germline.
Comment: This variant, c.2397_2399del, results in the deletion of 1 amino acid(s) of the SAMD9L protein (p.Leu801del), but otherwise preserves the integrity of the reading frame. In summary, the available evidence is currently insufficient to determine the role of this variant in disease. Therefore, it has been classified as a Variant of Uncertain Significance. Experimental studies and prediction algorithms are not available or were not evaluated, and the functional significance of this variant is currently unknown. This variant has not been reported in the literature in individuals affected with SAMD9L-related conditions. This variant is not present in population databases (gnomAD no frequency).

NM_152703.5(SAMD9L):c.2397_2399del (p.Leu801del)

Gene: SAMD9L (sterile alpha motif domain containing 9 like; minus strand). Cytogenetic location: 7q21.2.
Variant type: Deletion.
Coding change: c.2397_2399del on transcript NM_152703.5 (MANE Select); coding-DNA positions 2397 to 2399, 3 bases deleted (TCT; older notation c.2397_2399delTCT).
Protein change: p.Leu801del; deletes leucine 801.
Molecular consequence: inframe deletion.
Genome position (GRCh38, 1-based): chr7:93,133,573-93,133,575, AGA deleted on the plus strand (TCT on the coding strand, the reverse complement: SAMD9L is on the minus strand); deleting any 3 consecutive bases within chr7:93,133,573-93,133,577 gives the same sequence; the c. name uses the placement nearest the transcript's 3' end. VCF-style (leftmost placement, unchanged base first): chr7-93133572-GAGA-G. GRCh37 (hg19) VCF-style: chr7-92762885-GAGA-G.
Other names: c.2397_2399del, p.Leu801del (NM_001303496.3, NM_001303497.3, NM_001303498.3 and 5 more transcripts); short protein forms L801del.
Identifiers: ClinVar variation 3005953 (VCV003005953.3), dbSNP rs2535420662, ClinGen allele CA2740097399.